The following is an entry in ClinVar:

NM_004380.3(CREBBP):c.4913A>G (p.His1638Arg)

Gene: CREBBP (CREB binding protein; minus strand). Cytogenetic location: 16p13.3.
Variant type: single nucleotide variant.
Coding change: c.4913A>G on transcript NM_004380.3 (MANE Select); coding-DNA position 4913, A replaced by G.
Protein change: p.His1638Arg; replaces histidine 1638 with arginine.
Molecular consequence: missense variant.
Genome position (GRCh38, 1-based): chr16:3,731,451, T>C on the plus strand (A>G on the coding strand, the complement: CREBBP is on the minus strand). VCF-style: chr16-3731451-T-C. GRCh37 (hg19) VCF-style: chr16-3781452-T-C.
Other names: c.4799A>G, p.His1600Arg (NM_001079846.1); short protein forms H1600R, H1638R.
Identifiers: ClinVar variation 1311221 (VCV001311221.2), dbSNP rs1225386297, ClinGen allele CA394559071.

ClinVar aggregate classification (germline): Uncertain significance (1 of 4 stars; one submission).

gnomAD v4.1: 1 of 1,594,044 alleles (0.000063%); highest among the groups gnomAD compares: Non-Finnish European, 0.000085%; no homozygotes.

Submission:

GeneDx
Classification: Uncertain significance. Last evaluated: 2020-01-23. Review status: criteria provided, single submitter. Criteria: GeneDx Variant Classification Process June 2021. Collection method: clinical testing. Allele origin: germline. Affected: yes.
Comment: Not observed in large population cohorts (Lek et al., 2016); In silico analysis, which includes protein predictors and evolutionary conservation, supports a deleterious effect; Has not been previously published as pathogenic or benign to our knowledge